The following is an entry in ClinVar:

ClinVar aggregate classification (germline): Benign (1 of 4 stars; one submission).

Allele frequency attached by ClinVar (database versions not stated): gnomAD 0.94874 and 0.95031; TOPMed 0.95184; 1000 Genomes Project 0.95627; 1000 Genomes Project 30x 0.95768.
gnomAD v4.1: 144,728 of 152,278 alleles (95%); highest among the groups gnomAD compares: East Asian, 99%; 68,831 homozygotes.

Submission:

GeneDx
Classification: Benign. Last evaluated: 2018-06-14. Review status: criteria provided, single submitter. Criteria: GeneDx Variant Classification (06012015). Collection method: clinical testing. Allele origin: germline. Affected: yes.
Comment: This variant is considered likely benign or benign based on one or more of the following criteria: it is a conservative change, it occurs at a poorly conserved position in the protein, it is predicted to be benign by multiple in silico algorithms, and/or has population frequency not consistent with disease.

NM_025152.3(NUBPL):c.292-280A>G

Gene: NUBPL (NUBP iron-sulfur cluster assembly factor, mitochondrial; plus strand). Cytogenetic location: 14q12.
Variant type: single nucleotide variant.
Coding change: c.292-280A>G on transcript NM_025152.3 (MANE Select); 280 bases into the intron before coding-DNA position 292, A replaced by G.
Molecular consequence: intron variant.
Genome position (GRCh38, 1-based): chr14:31,599,009, A>G. VCF-style: chr14-31599009-A-G. GRCh37 (hg19) VCF-style: chr14-32068215-A-G.
Other names: c.4-280A>G (NM_001201573.2).
Identifiers: ClinVar variation 683233 (VCV000683233.1), dbSNP rs2034071, ClinGen allele CA14059776.